The following is an entry in ClinVar:

NM_000083.3(CLCN1):c.1437_1450del (p.Pro480fs)

Gene: CLCN1 (chloride voltage-gated channel 1; plus strand). Cytogenetic location: 7q34.
Variant type: Deletion.
Coding change: c.1437_1450del on transcript NM_000083.3 (MANE Select); coding-DNA positions 1437 to 1450, 14 bases deleted (ACCCTGCGGAGGCT).
Protein change: p.Pro480fs; shifts the reading frame from proline 480.
Molecular consequence: frameshift variant. On other transcripts: non-coding transcript variant (1).
Genome position (GRCh38, 1-based): chr7:143,339,288-143,339,301, ACCCTGCGGAGGCT deleted; deleting any 14 consecutive bases within chr7:143,339,287-143,339,301 gives the same sequence; the c. name uses the placement nearest the transcript's 3' end. VCF-style (leftmost placement, unchanged base first): chr7-143339286-ATACCCTGCGGAGGC-A. GRCh37 (hg19) VCF-style: chr7-143036379-ATACCCTGCGGAGGC-A.
Other names: dbSNP ID: rs768119034; c.1437_1450delACCCTGCGGAGGCT (NM_000083.3); c.1437_1450del14 (NM_000083.3, NM_000083.2); short protein forms P480fs.
Identifiers: ClinVar variation 279778 (VCV000279778.83), dbSNP rs768119034, ClinGen allele CA4537373.

ClinVar aggregate classification (germline): Pathogenic/Likely pathogenic. Review status: criteria provided, multiple submitters, no conflicts (2 of 4 stars). 23 submissions from 23 submitters: Pathogenic (19); Likely pathogenic (1). 3 of the submissions do not count toward it. Last evaluated 2026-03-17.

Conditions:
CLCN1-related disorder. Also called: CLCN1-related condition.
Autosomal dominant intermediate Charcot-Marie-Tooth disease. Identifiers: Orphanet 90114, MedGen C5680178, MONDO:0019548.
Congenital myotonia, autosomal recessive form. Also called: BECKER DISEASE; Becker Generalized Myotonia; myotonia congenita, autosomal recessive. Identifiers: Orphanet 614, MedGen C0751360, MONDO:0009715, OMIM 255700.
Congenital myotonia, autosomal dominant form (THD). Also called: THOMSEN DISEASE; Myotonia congenita autosomal dominant. Identifiers: Orphanet 614, MedGen C2936781, MONDO:0008055, OMIM 160800.
Batten-Turner congenital myopathy. Also called: Congenital myotonia; Myotonia congenita. Identifiers: Orphanet 206973, MedGen C0027127, MONDO:0100468, OMIM 255300.
Smith-Lemli-Opitz syndrome (SLOS). Also called: LETHAL ACRODYSGENITAL SYNDROME; POLYDACTYLY, SEX REVERSAL, RENAL HYPOPLASIA, AND UNILOBAR LUNG; RSH SYNDROME; RUTLEDGE LETHAL MULTIPLE CONGENITAL ANOMALY SYNDROME; 7-Dehydrocholesterol reductase deficiency. Identifiers: Orphanet 818, MedGen C0175694, MONDO:0010035, OMIM 270400.
Tip-toe gait. Also called: Toe walking. Identifiers: MedGen C0427144, HP:0030051.

Submissions 1 to 12 of 23:

Women's Health and Genetics/Laboratory Corporation of America, LabCorp
Classification: Pathogenic for Congenital myotonia, autosomal recessive form. Last evaluated: 2026-03-17. Review status: criteria provided, single submitter. Criteria: LabCorp Variant Classification Summary - May 2015. Collection method: clinical testing. Allele origin: germline.
Comment: Variant summary: CLCN1 c.1437_1450del14 (p.Pro480HisfsX24) results in a premature termination codon, predicted to cause a truncation of the encoded protein or absence of the protein due to nonsense mediated decay, which are commonly known mechanisms for disease. The variant allele was found at a frequency of 5.6e-05 in 251488 control chromosomes. This frequency is not significantly higher than estimated for disease-causing variants in CLCN1, allowing no conclusion about variant significance. c.1437_1450del14 has been observed in multiple individuals affected with autosomal recessive myotonia congenita (e.g. Skalova_2013) and in individuals affected with autosomal dominant myotonia congenita (e.g. Richardson_2014). These data indicate that the variant is very likely to be associated with disease. The following publications have been ascertained in the context of this evaluation (PMID: 24349310, 23893571). ClinVar contains an entry for this variant (Variation ID: 279778). Based on the evidence outlined above, the variant was classified as pathogenic for autosomal recessive and autosomal dominant myotonia congenita.

Labcorp Genetics (formerly Invitae), Labcorp
Classification: Pathogenic for Congenital myotonia, autosomal recessive form; Congenital myotonia, autosomal dominant form. Last evaluated: 2026-01-12. Review status: criteria provided, single submitter. Criteria: Invitae Variant Classification Sherloc (09022015). Collection method: clinical testing. Allele origin: germline.
Comment: This sequence change creates a premature translational stop signal (p.Pro480Hisfs*24) in the CLCN1 gene. It is expected to result in an absent or disrupted protein product. Loss-of-function variants in CLCN1 are known to be pathogenic (PMID: 17932099, 22094069, 23739125). This variant is present in population databases (rs768119034, gnomAD 0.01%). This premature translational stop signal has been observed in individuals with autosomal recessive myotonia congenita (PMID: 7951215, 18337730, 22649220, 23739125, 24349310). This variant has been reported in individual(s) with autosomal dominant myotonia congenita (PMID: 7951215, 23893571); however, the role of the variant in this condition is currently unclear. ClinVar contains an entry for this variant (Variation ID: 279778). For these reasons, this variant has been classified as Pathogenic.

3billion
Classification: Pathogenic for Congenital myotonia, autosomal recessive form. Last evaluated: 2025-08-26. Review status: criteria provided, single submitter. Criteria: ACMG Guidelines, 2015. Collection method: clinical testing. Allele origin: germline. Affected: yes.
Comment: The variant is observed at an extremely low frequency in the gnomAD v4.1.0 dataset (total allele frequency: 0.012%). Predicted Consequence/Location: Frameshift: predicted to result in a loss or disruption of normal protein function through nonsense-mediated decay (NMD) or protein truncation. Multiple pathogenic variants are reported downstream of the variant. The variant has been reported at least twice as pathogenic with clinical assertions and evidence for the classification (ClinVar ID: VCV000279778 /PMID: 7951215 /3billion dataset). Therefore, this variant is classified as Pathogenic according to the recommendation of ACMG/AMP guideline.

Laboratory of Genetics, Children's Clinical University Hospital Latvia
Classification: Pathogenic. Last evaluated: 2025-02-16. Review status: criteria provided, single submitter. Criteria: ACMG Guidelines, 2015. Collection method: clinical testing. Allele origin: germline. Affected: yes.

First Genomix Gene Laboratory, Genetic Diagnostics Department
Classification: Pathogenic for Congenital myotonia, autosomal recessive form. Last evaluated: 2025-01-10. Review status: criteria provided, single submitter. Criteria: ACMG Guidelines, 2015. Collection method: clinical testing. Allele origin: germline. Inheritance: Autosomal recessive inheritance. Affected: no. Observed: 1 variant allele.

PreventionGenetics, part of Exact Sciences
Classification: Pathogenic for CLCN1-related condition. Last evaluated: 2025-01-07. Review status: criteria provided, single submitter. Criteria: ACMG Guidelines, 2015. Collection method: clinical testing. Allele origin: germline.
Comment: The CLCN1 c.1437_1450del14 variant is predicted to result in a frameshift and premature protein termination (p.Pro480Hisfs*24). This variant has been reported in the compound heterozygous state, along with another causative CLCN1 variant, and in the homozygous state in multiple individuals with myotonia congenita (see for examples: Meyer-Kleine et al. 1994. PubMed ID: 7951215; Brugnoni et al. 2013. PubMed ID: 23739125; Skálová et al. 2013. PubMed ID: 24349310; Vereb et al. 2020. PubMed ID: 33263785; supplemental data, Suetterlin et al. 2022. PubMed ID: 34529042). This variant is reported in 0.013% of alleles in individuals of European (non-Finnish) descent in gnomAD and is interpreted as pathogenic/likely pathogenic in ClinVar. Frameshift variants in CLCN1 are expected to be pathogenic. Taken together, this variant is interpreted as pathogenic.

Blueprint Genetics
Classification: Pathogenic for CLCN1-related disorders. Last evaluated: 2024-11-22. Review status: criteria provided, single submitter. Criteria: ACMG Guidelines, 2015. Collection method: clinical testing. Allele origin: germline. Affected: yes. Observed: 5 variant alleles.

Clinical Omics and Informatics (COIN) Unit, Neuroscience Institute, University Of Cape Town
Classification: Pathogenic for Congenital myotonia, autosomal recessive form. Last evaluated: 2024-05-22. Review status: criteria provided, single submitter. Criteria: ACMG Guidelines, 2015. Collection method: research. Allele origin: germline. Inheritance: Autosomal recessive inheritance. Affected: yes. Observed: 1 variant allele, 1 compound heterozygote. Study: International Center for Genomic Medicine for Neuromuscular Disease (ICGNMD).
Comment: PM2_supporting: this variant is absent from gnomAD v4.0 (adequate coverage >20X confirmed). The highest population allele frequency in gnomAD v3.1.2 is 0.00016 (0.016%; 11/68038 alleles in European non-Finnish population). PM3_verystrong: this variant has been found in a compound heterozygous state in multiple individuals with AR myotonia congenital (>4 points). PVS1 met: frameshift variant predicted to undergo NMD. Exon is present in a biologically relevant transcript in a gene where LOF is a known mechanism of disease. PS4 met: this variant has been described in more than 10 unrelated probands with consistent phenotype for disorder. Sequencing funded by the International Centre for Genomic Medicine in Neuromuscular Diseases (ICGNMD).

CeGaT Center for Human Genetics Tuebingen
Classification: Pathogenic. Last evaluated: 2024-04-01. Review status: criteria provided, single submitter. Criteria: CeGaT Center For Human Genetics Tuebingen Variant Classification Criteria Version 2. Collection method: clinical testing. Allele origin: germline. Affected: yes. Observed: 8 variant alleles.
Comment: CLCN1: PVS1, PM2, PS4:Moderate

Athena Diagnostics
Classification: Pathogenic. Last evaluated: 2024-03-29. Review status: criteria provided, single submitter. Criteria: Athena Diagnostics Criteria. Collection method: clinical testing. Allele origin: unknown.
Comment: This variant is expected to result in the loss of a functional protein. The frequency of this variant in the general population is consistent with pathogenicity. This variant is primarily reported as autosomal recessive myotonia congenita (PMID: 17932099, 18337730, 23739125, 24349310, 34529042, 33263785), however, it has also been reported as autosomal dominant myotonia congenita (PMID: 23893571).

Fulgent Genetics
Classification: Pathogenic for Congenital myotonia, autosomal dominant form; Congenital myotonia, autosomal recessive form. Last evaluated: 2024-02-13. Review status: criteria provided, single submitter. Criteria: ACMG Guidelines, 2015. Collection method: clinical testing. Allele origin: germline.

Revvity Omics, Revvity
Classification: Pathogenic. Last evaluated: 2023-06-30. Review status: criteria provided, single submitter. Criteria: ACMG Guidelines, 2015. Collection method: clinical testing. Allele origin: germline.